The following is an entry in ClinVar:

NM_002907.4(RECQL):c.1649T>A (p.Leu550Gln)

Gene: RECQL (RecQ like helicase; minus strand). Cytogenetic location: 12p12.1.
Variant type: single nucleotide variant.
Coding change: c.1649T>A on transcript NM_002907.4 (MANE Select); coding-DNA position 1649, T replaced by A.
Protein change: p.Leu550Gln; replaces leucine 550 with glutamine.
Molecular consequence: missense variant.
Genome position (GRCh38, 1-based): chr12:21,471,446, A>T on the plus strand (T>A on the coding strand, the complement: RECQL is on the minus strand). VCF-style: chr12-21471446-A-T. GRCh37 (hg19) VCF-style: chr12-21624380-A-T.
Other names: c.1649T>A, p.Leu550Gln (NM_032941.3); short protein forms L550Q.
Identifiers: ClinVar variation 864207 (VCV000864207.18), dbSNP rs374170116, ClinGen allele CA6478701.

ClinVar aggregate classification (germline): Uncertain significance. Review status: criteria provided, multiple submitters, no conflicts (2 of 4 stars). 5 submissions from 5 submitters: Uncertain significance (5). Last evaluated 2025-12-05.

Conditions:
RECQL-related disorder. Also called: RECQL-related condition.

Allele frequency attached by ClinVar (database versions not stated): gnomAD 0.00001; gnomAD exomes 0.00001; ExAC 0.00002; TOPMed 0.00002; ESP Exome Variant Server 0.00008.
gnomAD v4.1: 61 of 1,612,696 alleles (0.0038%); highest among the groups gnomAD compares: Non-Finnish European, 0.0052%; no homozygotes.

Submissions (5):

PreventionGenetics, part of Exact Sciences
Classification: Uncertain significance for RECQL-related condition. Last evaluated: 2025-12-05. Review status: criteria provided, single submitter. Criteria: ACMG Guidelines, 2015. Collection method: clinical testing. Allele origin: germline.
Comment: The RECQL c.1649T>A variant is predicted to result in the amino acid substitution p.Leu550Gln. To our knowledge, this variant has not been reported in the literature. This variant is reported in 0.0031% of alleles in individuals of European (Non-Finnish) descent in gnomAD and is reported as uncertain in ClinVar. At this time, the clinical significance of this variant is uncertain due to the absence of conclusive functional and genetic evidence.

Quest Diagnostics Nichols Institute San Juan Capistrano
Classification: Uncertain significance. Last evaluated: 2024-08-26. Review status: criteria provided, single submitter. Criteria: Quest Diagnostics criteria. Collection method: clinical testing. Allele origin: unknown.
Comment: The RECQL c.1649T>A (p.Leu550Gln) variant has been reported in the published literature in a RECQL catalytic strand separation study (PMID: 26455304 (2015)). The frequency of this variant in the general population, 0.000031 (4/128746 chromosomes (Genome Aggregation Database)), is uninformative in the assessment of its pathogenicity. Analysis of this variant using bioinformatics tools for the prediction of the effect of amino acid changes on protein structure and function yielded predictions that this variant is damaging. Based on the available information, we are unable to determine the clinical significance of this variant.

GeneDx
Classification: Uncertain significance. Last evaluated: 2023-05-11. Review status: criteria provided, single submitter. Criteria: GeneDx Variant Classification Process June 2021. Collection method: clinical testing. Allele origin: germline. Affected: yes.
Comment: Not observed at significant frequency in large population cohorts (gnomAD); In silico analysis supports that this missense variant has a deleterious effect on protein structure/function; Has not been previously published as pathogenic or benign to our knowledge; This variant is associated with the following publications: (PMID: 26455304, 27248010, 19151156)

Labcorp Genetics (formerly Invitae), Labcorp
Classification: Uncertain significance. Last evaluated: 2023-04-16. Review status: criteria provided, single submitter. Criteria: Invitae Variant Classification Sherloc (09022015). Collection method: clinical testing. Allele origin: germline.
Comment: This variant has not been reported in the literature in individuals affected with RECQL-related conditions. This sequence change replaces leucine, which is neutral and non-polar, with glutamine, which is neutral and polar, at codon 550 of the RECQL protein (p.Leu550Gln). This variant is present in population databases (rs374170116, gnomAD 0.003%). ClinVar contains an entry for this variant (Variation ID: 864207). Advanced modeling of protein sequence and biophysical properties (such as structural, functional, and spatial information, amino acid conservation, physicochemical variation, residue mobility, and thermodynamic stability) has been performed at Invitae for this missense variant, however the output from this modeling did not meet the statistical confidence thresholds required to predict the impact of this variant on RECQL protein function. In summary, the available evidence is currently insufficient to determine the role of this variant in disease. Therefore, it has been classified as a Variant of Uncertain Significance.

Ambry Genetics
Classification: Uncertain significance. Last evaluated: 2022-10-20. Review status: criteria provided, single submitter. Criteria: Ambry Variant Classification Scheme 2023. Collection method: clinical testing. Allele origin: germline.
Comment: The p.L550Q variant (also known as c.1649T>A), located in coding exon 12 of the RECQL gene, results from a T to A substitution at nucleotide position 1649. The leucine at codon 550 is replaced by glutamine, an amino acid with dissimilar properties. This amino acid position is well conserved in available vertebrate species. In addition, the in silico prediction for this alteration is inconclusive. Since supporting evidence is limited at this time, the clinical significance of this alteration remains unclear.

Literature cited by the submitters: PubMed 26455304 (cited by Quest Diagnostics Nichols Institute San Juan Capistrano).